The following is an entry in ClinVar:

ClinVar aggregate classification (germline): Pathogenic. Review status: criteria provided, multiple submitters, no conflicts (2 of 4 stars). 2 submissions from 2 submitters: Pathogenic (2). Last evaluated 2024-11-26.

Conditions:
Methylmalonic aciduria due to complete methylmalonyl-CoA mutase deficiency.

Allele frequency attached by ClinVar (database versions not stated): TOPMed below 0.00001; ExAC 0.00001; gnomAD 0.00001; gnomAD exomes 0.00001.
gnomAD v4.1: 10 of 1,614,044 alleles (0.00062%); highest among the groups gnomAD compares: African/African-American, 0.0013%; no homozygotes.

Submissions (2):

Natera, Inc.
Classification: Pathogenic for Methylmalonic aciduria due to complete methylmalonyl-CoA mutase deficiency. Last evaluated: 2024-11-26. Review status: criteria provided, single submitter. Criteria: Natera Variant Classification Schema (03/2026). Collection method: clinical testing. Allele origin: germline.
Comment: The c.2062G>T variant in MMUT is a nonsense variant predicted to introduce a stop codon at amino acid 688. This variant is expected to result in nonsense mediated decay, truncation, or a dysfunctional protein product. This variant is rare in the general population with a frequency below the threshold expected for the associated phenotype(s). This variant has been observed in one or more individuals affected with the associated recessive disease, as either homozygous or compound heterozygous with a second variant (PMID: 16281286). Given the available evidence, this variant is classified as Pathogenic.

Labcorp Genetics (formerly Invitae), Labcorp
Classification: Pathogenic. Last evaluated: 2022-07-03. Review status: criteria provided, single submitter. Criteria: Invitae Variant Classification Sherloc (09022015). Collection method: clinical testing. Allele origin: germline.
Comment: For these reasons, this variant has been classified as Pathogenic. This premature translational stop signal has been observed in individual(s) with methylmalonic acidemia (PMID: 16281286, 31622506, 33413471). This variant is present in population databases (rs779331475, gnomAD 0.007%). This sequence change creates a premature translational stop signal (p.Glu688*) in the MUT gene. It is expected to result in an absent or disrupted protein product. Loss-of-function variants in MUT are known to be pathogenic (PMID: 15781192).

Literature cited by the submitters: PubMed 16281286 (cited by Natera, Inc. and Labcorp Genetics (formerly Invitae), Labcorp); PubMed 31622506 (cited by Labcorp Genetics (formerly Invitae), Labcorp); PubMed 33413471 (cited by Labcorp Genetics (formerly Invitae), Labcorp); PubMed 15781192 (cited by Labcorp Genetics (formerly Invitae), Labcorp).

NM_000255.4(MMUT):c.2062G>T (p.Glu688Ter)

Gene: MMUT (methylmalonyl-CoA mutase; minus strand). Cytogenetic location: 6p12.3.
Variant type: single nucleotide variant.
Coding change: c.2062G>T on transcript NM_000255.4 (MANE Select); coding-DNA position 2062, G replaced by T.
Protein change: p.Glu688Ter; replaces glutamic acid 688 with a stop codon.
Molecular consequence: nonsense.
Genome position (GRCh38, 1-based): chr6:49,435,518, C>A on the plus strand (G>T on the coding strand, the complement: MMUT is on the minus strand). VCF-style: chr6-49435518-C-A. GRCh37 (hg19) VCF-style: chr6-49403231-C-A.
Other names: c.2062G>T (NM_000255.3); short protein forms E688*.
Identifiers: ClinVar variation 2136402 (VCV002136402.5), dbSNP rs779331475, ClinGen allele CA3846672.
Genomic context (GRCh38, chr6:49,435,518, plus strand): 5'-GAGGTGGTATCACCCCTCCACACATGACAAGAATATCTGGCCGTCCAAGGGAGTTAAGTT[C>A]TTTGATGAGTTCAGGAACTAGGGTTTTATGACCAGCAGCGAGGGTGCTTATGCCCACAGC-3'